The following is an entry in ClinVar:

ClinVar aggregate classification (germline): Uncertain significance (1 of 4 stars; one submission).

Submission:

Ambry Genetics
Classification: Uncertain significance. Last evaluated: 2025-05-29. Review status: criteria provided, single submitter. Criteria: Ambry Variant Classification Scheme 2023. Collection method: clinical testing. Allele origin: germline.
Comment: The p.N1608S variant (also known as c.4823A>G), located in coding exon 43 of the KIF1B gene, results from an A to G substitution at nucleotide position 4823. The asparagine at codon 1608 is replaced by serine, an amino acid with highly similar properties. This amino acid position is conserved. In addition, this alteration is predicted to be tolerated by in silico analysis. Based on the available evidence, the clinical significance of this variant remains unclear.

NM_001365951.3(KIF1B):c.4961A>G (p.Asn1654Ser)

Gene: KIF1B (kinesin family member 1B; plus strand). Cytogenetic location: 1p36.22.
Variant type: single nucleotide variant.
Coding change: c.4961A>G on transcript NM_001365951.3 (MANE Select); coding-DNA position 4961, A replaced by G.
Protein change: p.Asn1654Ser; replaces asparagine 1654 with serine.
Molecular consequence: missense variant.
Genome position (GRCh38, 1-based): chr1:10,374,330, A>G. VCF-style: chr1-10374330-A-G. GRCh37 (hg19) VCF-style: chr1-10434388-A-G.
Other names: c.4961A>G, p.Asn1654Ser (NM_001365952.1); c.4823A>G, p.Asn1608Ser (NM_015074.3); short protein forms N1654S, N1608S.
Identifiers: ClinVar variation 4043154 (VCV004043154.1).